The following is an entry in ClinVar:

NM_001083619.3(GRIA2):c.835A>G (p.Thr279Ala)

Gene: GRIA2 (glutamate ionotropic receptor AMPA type subunit 2; plus strand). Cytogenetic location: 4q32.1.
Variant type: single nucleotide variant.
Coding change: c.835A>G on transcript NM_001083619.3 (MANE Select); coding-DNA position 835, A replaced by G.
Protein change: p.Thr279Ala; replaces threonine 279 with alanine.
Molecular consequence: missense variant.
Genome position (GRCh38, 1-based): chr4:157,321,552, A>G. VCF-style: chr4-157321552-A-G. GRCh37 (hg19) VCF-style: chr4-158242704-A-G.
Other names: c.835A>G, p.Thr279Ala (NM_000826.6); c.694A>G, p.Thr232Ala (NM_001083620.3, NM_001379000.3, NM_001379001.3); short protein forms T232A, T279A.
Identifiers: ClinVar variation 4856039 (VCV004856039.1).

ClinVar aggregate classification (germline): Uncertain significance (1 of 4 stars; one submission).

Conditions:
Neurodevelopmental disorder with language impairment and behavioral abnormalities. Also called: GRIA2-related neurodevelopmental disorder. Identifiers: MedGen C5394502, MONDO:0030060, OMIM 618917.

Submission:

3billion
Classification: Uncertain significance for Neurodevelopmental disorder with language impairment and behavioral abnormalities. Last evaluated: 2025-09-23. Review status: criteria provided, single submitter. Criteria: ACMG Guidelines, 2015. Collection method: clinical testing. Allele origin: germline. Affected: yes.
Comment: The variant is not observed in the gnomAD v4.1.0 dataset. Predicted Consequence/Location: Missense variant. Missense changes are a common disease-causing mechanism. Therefore, this variant is classified as VUS according to the recommendation of ACMG/AMP guideline.